The following is an entry in ClinVar:

NM_000228.3(LAMB3):c.822+1G>T

Gene: LAMB3 (laminin subunit beta 3; minus strand). Cytogenetic location: 1q32.2.
Variant type: single nucleotide variant.
Coding change: c.822+1G>T on transcript NM_000228.3 (MANE Select); the canonical splice donor site of the intron after coding-DNA position 822, G replaced by T.
Molecular consequence: splice donor variant.
Genome position (GRCh38, 1-based): chr1:209,632,582, C>A on the plus strand (G>T on the coding strand, the complement: LAMB3 is on the minus strand). VCF-style: chr1-209632582-C-A. GRCh37 (hg19) VCF-style: chr1-209805927-C-A.
Other names: c.822+1G>T (NM_001127641.1, NM_001017402.2).
Identifiers: ClinVar variation 5003423 (VCV005003423.1).

ClinVar aggregate classification (germline): Likely pathogenic (1 of 4 stars; one submission).

Conditions:
Junctional epidermolysis bullosa. Identifiers: Orphanet 305, MedGen C0079301, MONDO:0017612.

Submission:

Myriad Genetics, Inc.
Classification: Likely pathogenic for Junctional epidermolysis bullosa. Last evaluated: 2025-12-02. Review status: criteria provided, single submitter. Criteria: Myriad Autosomal Dominant, Autosomal Recessive and X-Linked Classification Criteria (2023). Collection method: clinical testing. Allele origin: unknown.
Comment: NM_000228.2(LAMB3):c.822+1G>T is a variant in a canonical splice site classified as likely pathogenic in the context of junctional epidermolysis bullosa, LAMB3-related. c.822+1G>T has not been observed in cases with relevant disease. Relevant functional assessments of this variant are not available in the literature. c.822+1G>T has not been observed in referenced population frequency databases. In summary, NM_000228.2(LAMB3):c.822+1G>T is a variant in a canonical splice site in a gene where loss of function is a known mechanism of disease and is predicted to disrupt protein function. Please note: this variant was assessed in the context of healthy population screening.